The following is an entry in ClinVar:

NM_002878.4(RAD51D):c.348A>T (p.Val116=)

Genes: RAD51D (RAD51 paralog D; minus strand), RAD51L3-RFFL (RAD51L3-RFFL readthrough; minus strand). Cytogenetic location: 17q12.
Variant type: single nucleotide variant.
Coding change: c.348A>T on transcript NM_002878.4 (MANE Select); coding-DNA position 348, A replaced by T.
Protein change: p.Val116=; no amino-acid change (valine 116 retained).
Molecular consequence: synonymous variant. On other transcripts: non-coding transcript variant (1), intron variant (1).
Genome position (GRCh38, 1-based): chr17:35,107,120, T>A on the plus strand (A>T on the coding strand, the complement: RAD51D is on the minus strand). VCF-style: chr17-35107120-T-A. GRCh37 (hg19) VCF-style: chr17-33434139-T-A.
Other names: c.408A>T, p.Val136= (NM_001142571.2); c.145-639A>T (NM_133629.3).
Identifiers: ClinVar variation 1586965 (VCV001586965.13), dbSNP rs1233886388, ClinGen allele CA499731764.
Genomic context (GRCh38, chr17:35,107,120, plus strand): 5'-ATCTACATATAGGACGTTTTGCTGCAGGCCATGGGCCACATTTGCTGCCATACAGAGACA[T>A]ACCTGGGGGTGGGGGCATTGGATGAACTTGACACTTCAGAGAGGGTCCAGATGGGAGCTC-3'
Protein context (NP_002869.3, residues 106-126): VGGPGSGKTQ[Val116=]CLCMAANVAH

ClinVar aggregate classification (germline): Benign/Likely benign. Review status: criteria provided, multiple submitters, no conflicts (2 of 4 stars). 4 submissions from 4 submitters: Benign (1); Likely benign (2). 1 of the submissions does not count toward it. Last evaluated 2025-02-21.

Conditions:
RAD51D-related disorder. Also called: RAD51D-related condition.
Breast-ovarian cancer, familial, susceptibility to, 4. Identifiers: Orphanet 145, MedGen C3280345, MONDO:0013669, OMIM 614291.
Hereditary cancer-predisposing syndrome. Also called: Tumor predisposition; Hereditary Cancer Syndrome; Neoplastic Syndromes, Hereditary; Hereditary neoplastic syndrome. Identifiers: Orphanet 140162, MedGen C0027672, MeSH D009386, MONDO:0015356.

Submissions (4):

Myriad Genetics, Inc.
Classification: Benign for Breast-ovarian cancer, familial, susceptibility to, 4. Last evaluated: 2025-02-21. Review status: criteria provided, single submitter. Criteria: Myriad Autosomal Dominant, Autosomal Recessive and X-Linked Classification Criteria (2023). Collection method: clinical testing. Allele origin: unknown.
Comment: This variant is considered benign. This variant is a silent/synonymous amino acid change and it is not expected to impact splicing.

Labcorp Genetics (formerly Invitae), Labcorp
Classification: Likely benign for Breast-ovarian cancer, familial, susceptibility to, 4. Last evaluated: 2021-11-03. Review status: criteria provided, single submitter. Criteria: Invitae Variant Classification Sherloc (09022015). Collection method: clinical testing. Allele origin: germline.

Ambry Genetics
Classification: Likely benign for Hereditary cancer-predisposing syndrome. Last evaluated: 2021-01-20. Review status: criteria provided, single submitter. Criteria: Ambry Variant Classification Scheme 2023. Collection method: clinical testing. Allele origin: germline.

PreventionGenetics, part of Exact Sciences
Classification: Likely benign for RAD51D-related condition. Last evaluated: 2021-09-24. Review status: no assertion criteria provided. Collection method: clinical testing. Allele origin: germline. Not counted in ClinVar's aggregate classification.
Comment: This variant is classified as likely benign based on ACMG/AMP sequence variant interpretation guidelines (Richards et al. 2015 PMID: 25741868, with internal and published modifications).